The following is an entry in ClinVar:

NM_000426.4(LAMA2):c.8358-1del

Gene: LAMA2 (laminin subunit alpha 2; plus strand). Cytogenetic location: 6q22.33.
Variant type: Deletion.
Coding change: c.8358-1del on transcript NM_000426.4 (MANE Select); the canonical splice acceptor site of the intron before coding-DNA position 8358, one base deleted (G; older notation c.8358-1delG).
Molecular consequence: splice acceptor variant.
Genome position (GRCh38, 1-based): chr6:129,503,090, G deleted. VCF-style (leftmost placement, unchanged base first): chr6-129503089-AG-A. GRCh37 (hg19) VCF-style: chr6-129824234-AG-A.
Other names: c.8346-1del (NM_001079823.2).
Identifiers: ClinVar variation 2100688 (VCV002100688.4), dbSNP rs2533537852, ClinGen allele CA2580075012.

ClinVar aggregate classification (germline): Likely pathogenic (1 of 4 stars; one submission).

Conditions:
LAMA2-related muscular dystrophy (LAMA2-RD). Also called: Laminin alpha 2-related dystrophy. Identifiers: MedGen C5679788, MONDO:0100228.

Submission:

Labcorp Genetics (formerly Invitae), Labcorp
Classification: Likely pathogenic for LAMA2-related muscular dystrophy. Last evaluated: 2022-02-28. Review status: criteria provided, single submitter. Criteria: Invitae Variant Classification Sherloc (09022015). Collection method: clinical testing. Allele origin: germline.
Comment: This sequence change affects a splice site in intron 59 of the LAMA2 gene. It is expected to disrupt RNA splicing. Variants that disrupt the donor or acceptor splice site typically lead to a loss of protein function (PMID: 16199547), and loss-of-function variants in LAMA2 are known to be pathogenic (PMID: 18700894, 32904964). This variant is not present in population databases (gnomAD no frequency). This variant has not been reported in the literature in individuals affected with LAMA2-related conditions. Algorithms developed to predict the effect of sequence changes on RNA splicing suggest that this variant may disrupt the consensus splice site. In summary, the currently available evidence indicates that the variant is pathogenic, but additional data are needed to prove that conclusively. Therefore, this variant has been classified as Likely Pathogenic.

Literature cited by the submitters: PubMed 16199547; PubMed 18700894; PubMed 32904964.